The following is an entry in ClinVar:

ClinVar aggregate classification (germline): Pathogenic (1 of 4 stars; one submission).

Conditions:
Metachromatic leukodystrophy (MLD). Also called: ARSA DEFICIENCY; CEREBROSIDE SULFATASE DEFICIENCY; METACHROMATIC LEUKOENCEPHALOPATHY; Cerebral sclerosis diffuse metachromatic form; Arylsulfatase A Deficiency; SULFATIDE LIPIDOSIS. Identifiers: Orphanet 512, MedGen C0023522, MONDO:0018868, OMIM 250100.

Submission:

Myriad Genetics, Inc.
Classification: Pathogenic for Metachromatic leukodystrophy. Last evaluated: 2026-09-04. Review status: criteria provided, single submitter. Criteria: Myriad Autosomal Dominant, Autosomal Recessive and X-Linked Classification Criteria (2023). Collection method: clinical testing. Allele origin: unknown.
Comment: NM_000487.5(ARSA):c.409delC(L137Cfs*11) is a frameshift variant classified as pathogenic in the context of metachromatic leukodystrophy. L137Cfs*11 has not been observed in cases with relevant disease. Relevant functional assessments of this variant are not available in the literature. L137Cfs*11 has not been observed in referenced population frequency databases. In summary, NM_000487.5(ARSA):c.409delC(L137Cfs*11) is a frameshift variant in a gene where loss of function is a known mechanism of disease and is predicted to disrupt protein function. Please note: this variant was assessed in the context of healthy population screening.

NM_000487.6(ARSA):c.409del (p.Leu137fs)

Gene: ARSA (arylsulfatase A; minus strand). Cytogenetic location: 22q13.33.
Variant type: Deletion.
Coding change: c.409del on transcript NM_000487.6 (MANE Select); coding-DNA position 409, one base deleted (C; older notation c.409delC).
Protein change: p.Leu137fs; shifts the reading frame from leucine 137.
Molecular consequence: frameshift variant.
Genome position (GRCh38, 1-based): chr22:50,627,222, G deleted on the plus strand (C on the coding strand, the reverse complement: ARSA is on the minus strand); the first of 2 consecutive G bases (chr22:50,627,222-50,627,223); deleting either gives the same sequence. VCF-style (leftmost placement, unchanged base first): chr22-50627221-AG-A. GRCh37 (hg19) VCF-style: chr22-51065649-AG-A.
Other names: c.409del, p.Leu137fs (NM_001085425.3, NM_001085426.3, NM_001085427.3); c.151del, p.Leu51fs (NM_001085428.3, NM_001362782.2); short protein forms L51fs, L137fs.
Identifiers: ClinVar variation 5004887 (VCV005004887.1).